The following is an entry in ClinVar:

NM_000285.4(PEPD):c.389A>T (p.Asp130Val)

Gene: PEPD (peptidase D; minus strand). Cytogenetic location: 19q13.11.
Variant type: single nucleotide variant.
Coding change: c.389A>T on transcript NM_000285.4 (MANE Select); coding-DNA position 389, A replaced by T.
Protein change: p.Asp130Val; replaces aspartic acid 130 with valine.
Molecular consequence: missense variant. On other transcripts: intron variant (1).
Genome position (GRCh38, 1-based): chr19:33,500,942, T>A on the plus strand (A>T on the coding strand, the complement: PEPD is on the minus strand). VCF-style: chr19-33500942-T-A. GRCh37 (hg19) VCF-style: chr19-33991848-T-A.
Other names: c.389A>T, p.Asp130Val (NM_001166056.2); c.202-7605A>T (NM_001166057.2); c.389A>T (NM_000285.3); short protein forms D130V.
Identifiers: ClinVar variation 1446614 (VCV001446614.4), dbSNP rs1368615976, ClinGen allele CA405231115.

ClinVar aggregate classification (germline): Uncertain significance. Review status: criteria provided, multiple submitters, no conflicts (2 of 4 stars). 2 submissions from 2 submitters: Uncertain significance (2). Last evaluated 2024-10-01.

Conditions:
Inborn genetic diseases. Identifiers: MedGen C0950123, MeSH D030342.

Allele frequency attached by ClinVar (database versions not stated): gnomAD 0.00003; TOPMed 0.00006.
gnomAD v4.1: 6 of 1,589,016 alleles (0.00038%); highest among the groups gnomAD compares: Admixed American, 0.005%; no homozygotes.

Submissions (2):

Ambry Genetics
Classification: Uncertain significance for Inborn genetic diseases. Last evaluated: 2024-10-01. Review status: criteria provided, single submitter. Criteria: Ambry Variant Classification Scheme 2023. Collection method: clinical testing. Allele origin: germline.

Labcorp Genetics (formerly Invitae), Labcorp
Classification: Uncertain significance. Last evaluated: 2022-08-19. Review status: criteria provided, single submitter. Criteria: Invitae Variant Classification Sherloc (09022015). Collection method: clinical testing. Allele origin: germline.
Comment: This sequence change replaces aspartic acid, which is acidic and polar, with valine, which is neutral and non-polar, at codon 130 of the PEPD protein (p.Asp130Val). This variant is not present in population databases (gnomAD no frequency). This variant has not been reported in the literature in individuals affected with PEPD-related conditions. ClinVar contains an entry for this variant (Variation ID: 1446614). Algorithms developed to predict the effect of missense changes on protein structure and function are either unavailable or do not agree on the potential impact of this missense change (SIFT: "Tolerated"; PolyPhen-2: "Possibly Damaging"; Align-GVGD: "Class C15"). In summary, the available evidence is currently insufficient to determine the role of this variant in disease. Therefore, it has been classified as a Variant of Uncertain Significance.